The following is an entry in ClinVar:

ClinVar aggregate classification (germline): Benign. Review status: criteria provided, multiple submitters, no conflicts (2 of 4 stars). 2 submissions from 2 submitters: Benign (2). Last evaluated 2018-01-12.

Conditions:
Cayman type cerebellar ataxia. Also called: Cayman ataxia. Identifiers: Orphanet 94122, MedGen C1832585, MONDO:0011025, OMIM 601238.

Allele frequency attached by ClinVar (database versions not stated): TOPMed 0.01052; 1000 Genomes Project 0.01098; gnomAD 0.01134 and 0.01149; 1000 Genomes Project 30x 0.01140.

Submissions (2):

Illumina Laboratory Services, Illumina
Classification: Benign for Cayman type cerebellar ataxia. Last evaluated: 2018-01-12. Review status: criteria provided, single submitter. Criteria: ICSL Variant Classification Criteria 13 December 2019. Collection method: clinical testing. Allele origin: germline.
Comment: This variant was observed in the ICSL laboratory as part of a predisposition screen in an ostensibly healthy population. It had not been previously curated by ICSL or reported in the Human Gene Mutation Database (HGMD: prior to June 1st, 2018), and was therefore a candidate for classification through an automated scoring system. Utilizing variant allele frequency, disease prevalence and penetrance estimates, and inheritance mode, an automated score was calculated to assess if this variant is too frequent to cause the disease. Based on the score and internal cut-off values, a variant classified as benign is not then subjected to further curation. The score for this variant resulted in a classification of benign for this disease.

Breakthrough Genomics
Classification: Benign. Review status: criteria provided, single submitter. Criteria: ACMG Guidelines, 2015. Collection method: not provided. Allele origin: germline. Inheritance: Autosomal recessive inheritance. Affected: yes.

NM_033064.5(ATCAY):c.*1190G>A

Gene: ATCAY (ATCAY kinesin light chain interacting caytaxin; plus strand). Cytogenetic location: 19p13.3.
Variant type: single nucleotide variant.
Coding change: c.*1190G>A on transcript NM_033064.5 (MANE Select); 1190 bases downstream of the stop codon, G replaced by A.
Molecular consequence: 3 prime UTR variant.
Genome position (GRCh38, 1-based): chr19:3,925,782, G>A. VCF-style: chr19-3925782-G-A. GRCh37 (hg19) VCF-style: chr19-3925780-G-A.
Identifiers: ClinVar variation 894005 (VCV000894005.5), dbSNP rs143684746, ClinGen allele CA304405481.